The following is an entry in ClinVar:

ClinVar aggregate classification (germline): Uncertain significance. Review status: criteria provided, multiple submitters, no conflicts (2 of 4 stars). 3 submissions from 3 submitters: Uncertain significance (3). Last evaluated 2025-04-19.

Conditions:
PDGFRB-related disorder. Also called: PDGFRB-related condition.
Infantile myofibromatosis (IMF). Also called: Congenital generalized fibromatosis. Identifiers: Orphanet 2591, MedGen C0432284, MONDO:0016824.
Skeletal overgrowth-craniofacial dysmorphism-hyperelastic skin-white matter lesions syndrome. Also called: SKELETAL OVERGROWTH WITH FACIAL DYSMORPHISM, HYPERELASTIC SKIN, WHITE MATTER LESIONS, AND NEUROLOGIC DETERIORATION; Kosaki overgrowth syndrome. Identifiers: Orphanet 477831, MedGen C4225270, MONDO:0014704, OMIM 616592.
Basal ganglia calcification, idiopathic, 4 (PFBC4). Also called: Familial Idiopathic Basal Ganglia Calcification 4; PRIMARY FAMILIAL BRAIN CALCIFICATION 4, AUTOSOMAL DOMINANT. Identifiers: Orphanet 1980, MedGen C3554321, MONDO:0014004, OMIM 615007.
Acroosteolysis-keloid-like lesions-premature aging syndrome. Also called: Premature aging syndrome, Penttinen type; Prematurely aged appearance, delayed bone maturation, acro-osteolysis, and brachydactyly; Progeroid syndrome, Penttinen type. Identifiers: Orphanet 363665, MedGen C1866182, MONDO:0011150, OMIM 601812.

Allele frequency attached by ClinVar (database versions not stated): gnomAD exomes below 0.00001; ExAC 0.00001.
gnomAD v4.1: 5 of 1,612,900 alleles (0.00031%); highest among the groups gnomAD compares: Non-Finnish European, 0.00042%; no homozygotes.

Submissions (3):

Labcorp Genetics (formerly Invitae), Labcorp
Classification: Uncertain significance for Basal ganglia calcification, idiopathic, 4; Skeletal overgrowth-craniofacial dysmorphism-hyperelastic skin-white matter lesions syndrome; Infantile myofibromatosis; Acroosteolysis-keloid-like lesions-premature aging syndrome. Last evaluated: 2025-04-19. Review status: criteria provided, single submitter. Criteria: Invitae Variant Classification Sherloc (09022015). Collection method: clinical testing. Allele origin: germline.
Comment: This sequence change replaces glutamic acid, which is acidic and polar, with lysine, which is basic and polar, at codon 959 of the PDGFRB protein (p.Glu959Lys). This variant is present in population databases (rs769978493, gnomAD 0.0009%). This variant has not been reported in the literature in individuals affected with PDGFRB-related conditions. ClinVar contains an entry for this variant (Variation ID: 2444604). Invitae Evidence Modeling of protein sequence and biophysical properties (such as structural, functional, and spatial information, amino acid conservation, physicochemical variation, residue mobility, and thermodynamic stability) indicates that this missense variant is not expected to disrupt PDGFRB protein function with a negative predictive value of 80%. In summary, the available evidence is currently insufficient to determine the role of this variant in disease. Therefore, it has been classified as a Variant of Uncertain Significance.

PreventionGenetics, part of Exact Sciences
Classification: Uncertain significance for PDGFRB-related condition. Last evaluated: 2023-03-29. Review status: criteria provided, single submitter. Criteria: ACMG Guidelines, 2015. Collection method: clinical testing. Allele origin: germline.
Comment: The PDGFRB c.2875G>A variant is predicted to result in the amino acid substitution p.Glu959Lys. To our knowledge, this variant has not been reported in the literature. This variant is reported in 0.00088% of alleles in individuals of European (Non-Finnish) descent in gnomAD. At this time, the clinical significance of this variant is uncertain due to the absence of conclusive functional and genetic evidence.

GeneDx
Classification: Uncertain significance. Last evaluated: 2022-09-20. Review status: criteria provided, single submitter. Criteria: GeneDx Variant Classification Process June 2021. Collection method: clinical testing. Allele origin: germline. Affected: yes.
Comment: Not observed at significant frequency in large population cohorts (gnomAD); In silico analysis supports that this missense variant does not alter protein structure/function; Has not been previously published as pathogenic or benign to our knowledge

NM_002609.4(PDGFRB):c.2875G>A (p.Glu959Lys)

Gene: PDGFRB (platelet derived growth factor receptor beta; minus strand). Cytogenetic location: 5q32.
Variant type: single nucleotide variant.
Coding change: c.2875G>A on transcript NM_002609.4 (MANE Select); coding-DNA position 2875, G replaced by A.
Protein change: p.Glu959Lys; replaces glutamic acid 959 with lysine.
Molecular consequence: missense variant.
Genome position (GRCh38, 1-based): chr5:150,118,776, C>T on the plus strand (G>A on the coding strand, the complement: PDGFRB is on the minus strand). VCF-style: chr5-150118776-C-T. GRCh37 (hg19) VCF-style: chr5-149498339-C-T.
Other names: c.2683G>A, p.Glu895Lys (NM_001355016.2); c.2392G>A, p.Glu798Lys (NM_001355017.2); short protein forms E798K, E895K, E959K.
Identifiers: ClinVar variation 2444604 (VCV002444604.3), dbSNP rs769978493, ClinGen allele CA3507495.